The following is an entry in ClinVar:

ClinVar aggregate classification (germline): Pathogenic. Review status: criteria provided, multiple submitters, no conflicts (2 of 4 stars). 5 submissions from 5 submitters: Pathogenic (4). 1 of the submissions does not count toward it. Last evaluated 2025-05-02.

Conditions:
Hereditary nonpolyposis colorectal neoplasms. Identifiers: MedGen C0009405, MeSH D003123.
MSH6-related disorder. Also called: MSH6-related condition; MSH6-Related disorders.
Hereditary cancer-predisposing syndrome. Also called: Neoplastic Syndromes, Hereditary; Tumor predisposition; Hereditary neoplastic syndrome; Hereditary Cancer Syndrome. Identifiers: Orphanet 140162, MedGen C0027672, MeSH D009386, MONDO:0015356.
Lynch syndrome 5 (LYNCH5). Also called: Colorectal cancer, hereditary nonpolyposis, type 5; Hereditary non-polyposis colorectal cancer, type 5. Identifiers: Orphanet 144, MedGen C1833477, MONDO:0013710, OMIM 614350. Disease mechanism: loss of function.

Submissions (5):

Quest Diagnostics Nichols Institute San Juan Capistrano
Classification: Pathogenic. Last evaluated: 2025-05-02. Review status: criteria provided, single submitter. Criteria: Quest Diagnostics criteria. Collection method: clinical testing. Allele origin: unknown.
Comment: The MSH6 c.1233dup (p.Lys412Glufs*6) variant alters the translational reading frame of the MSH6 mRNA and causes the premature termination of MSH6 protein synthesis. This variant has not been reported in individuals with MSH6-related conditions in the published literature. This variant has not been reported in large, multi-ethnic general populations (Genome Aggregation Database). Based on the available information, this variant is classified as pathogenic.

Ambry Genetics
Classification: Pathogenic for Hereditary cancer-predisposing syndrome. Last evaluated: 2025-03-10. Review status: criteria provided, single submitter. Criteria: Ambry Variant Classification Scheme 2023. Collection method: clinical testing. Allele origin: germline.
Comment: The c.1233dupG pathogenic mutation, located in coding exon 4 of the MSH6 gene, results from a duplication of G at nucleotide position 1233, causing a translational frameshift with a predicted alternate stop codon (p.K412Efs*6). This variant is considered to be rare based on population cohorts in the Genome Aggregation Database (gnomAD). This alteration is expected to result in loss of function by premature protein truncation or nonsense-mediated mRNA decay. As such, this alteration is interpreted as a disease-causing mutation.

Myriad Genetics, Inc.
Classification: Pathogenic for Lynch syndrome 5. Last evaluated: 2023-08-11. Review status: criteria provided, single submitter. Criteria: Myriad Autosomal Dominant, Autosomal Recessive and X-Linked Classification Criteria (2023). Collection method: clinical testing. Allele origin: unknown.
Comment: This variant is considered pathogenic. This variant creates a frameshift predicted to result in premature protein truncation.

Labcorp Genetics (formerly Invitae), Labcorp
Classification: Pathogenic for Hereditary nonpolyposis colorectal neoplasms. Last evaluated: 2021-07-04. Review status: criteria provided, single submitter. Criteria: Invitae Variant Classification Sherloc (09022015). Collection method: clinical testing. Allele origin: germline.
Comment: This sequence change creates a premature translational stop signal (p.Lys412Glufs*6) in the MSH6 gene. It is expected to result in an absent or disrupted protein product. Loss-of-function variants in MSH6 are known to be pathogenic (PMID: 18269114, 24362816). For these reasons, this variant has been classified as Pathogenic. This variant has not been reported in the literature in individuals with MSH6-related conditions. This variant is not present in population databases (ExAC no frequency).

PreventionGenetics, part of Exact Sciences
Classification: Pathogenic for MSH6-related condition. Last evaluated: 2024-03-28. Review status: no assertion criteria provided. Collection method: clinical testing. Allele origin: germline. Not counted in ClinVar's aggregate classification.
Comment: The MSH6 c.1233dupG variant is predicted to result in a frameshift and premature protein termination (p.Lys412Glufs*6). To our knowledge, this variant has not been reported in the literature or in a large population database, indicating it is rare. Frameshift variants in MSH6 are expected to be pathogenic (see for example, Thompson BA et al 2013. PubMed ID: 24362816). This variant is interpreted as pathogenic.

Literature cited by the submitters: PubMed 18269114 (cited by Labcorp Genetics (formerly Invitae), Labcorp); PubMed 24362816 (cited by Labcorp Genetics (formerly Invitae), Labcorp).

NM_000179.3(MSH6):c.1233dup (p.Lys412fs)

Gene: MSH6 (mutS homolog 6; plus strand). Cytogenetic location: 2p16.3.
Variant type: Duplication.
Coding change: c.1233dup on transcript NM_000179.3 (MANE Select); coding-DNA position 1233, one base duplicated (G; older notation c.1233dupG).
Protein change: p.Lys412fs; shifts the reading frame from lysine 412.
Molecular consequence: frameshift variant.
Genome position (GRCh38, 1-based): chr2:47,799,216, G duplicated; the last of 2 consecutive G bases (chr2:47,799,215-47,799,216); duplicating either gives the same sequence. VCF-style (leftmost placement, unchanged base first): chr2-47799214-A-AG. GRCh37 (hg19) VCF-style: chr2-48026353-A-AG.
Other names: c.843dup, p.Lys282fs (NM_001281492.2); c.327dup, p.Lys110fs (NM_001281493.2, NM_001281494.2); c.1233dupG (NM_000179.2); c.1233dup (NM_000179.2); short protein forms K412fs, K110fs, K282fs.
Identifiers: ClinVar variation 1371863 (VCV001371863.12), dbSNP rs2104329942, ClinGen allele CA2573134913.